The following is an entry in ClinVar:

NM_001379500.1(COL18A1):c.1174C>G (p.Pro392Ala)

Gene: COL18A1 (collagen type XVIII alpha 1 chain; plus strand). Cytogenetic location: 21q22.3.
Variant type: single nucleotide variant.
Coding change: c.1174C>G on transcript NM_001379500.1 (MANE Select); coding-DNA position 1174, C replaced by G.
Protein change: p.Pro392Ala; replaces proline 392 with alanine.
Molecular consequence: missense variant.
Genome position (GRCh38, 1-based): chr21:45,477,918, C>G. VCF-style: chr21-45477918-C-G. GRCh37 (hg19) VCF-style: chr21-46897832-C-G.
Other names: c.1714C>G, p.Pro572Ala (NM_030582.4); c.2419C>G, p.Pro807Ala (NM_130444.3); short protein forms P392A, P572A, P807A.
Identifiers: ClinVar variation 3778503 (VCV003778503.7).

ClinVar aggregate classification (germline): Uncertain significance (1 of 4 stars; one submission).

Submission:

CeGaT Center for Human Genetics Tuebingen
Classification: Uncertain significance. Last evaluated: 2025-03-01. Review status: criteria provided, single submitter. Criteria: CeGaT Center For Human Genetics Tuebingen Variant Classification Criteria Version 2. Collection method: clinical testing. Allele origin: germline. Affected: yes. Observed: 1 variant allele.
Comment: COL18A1: PM2